The following is an entry in ClinVar:

NM_015001.3(SPEN):c.7622C>A (p.Pro2541His)

Gene: SPEN (spen family transcriptional repressor; plus strand). Cytogenetic location: 1p36.13.
Variant type: single nucleotide variant.
Coding change: c.7622C>A on transcript NM_015001.3 (MANE Select); coding-DNA position 7622, C replaced by A.
Protein change: p.Pro2541His; replaces proline 2541 with histidine.
Molecular consequence: missense variant.
Genome position (GRCh38, 1-based): chr1:15,933,862, C>A. VCF-style: chr1-15933862-C-A. GRCh37 (hg19) VCF-style: chr1-16260357-C-A.
Other names: short protein forms P2541H.
Identifiers: ClinVar variation 5009746 (VCV005009746.1).

ClinVar aggregate classification (germline): Uncertain significance (1 of 4 stars; one submission).

Submission:

GeneDx
Classification: Uncertain significance. Last evaluated: 2026-02-18. Review status: criteria provided, single submitter. Criteria: GeneDx Variant Classification Process June 2021. Collection method: clinical testing. Allele origin: germline.
Comment: Not observed at significant frequency in large population cohorts (gnomAD); In silico analysis supports that this missense variant has a deleterious effect on protein structure/function; Has not been previously published as pathogenic or benign to our knowledge